The following is an entry in ClinVar:

NM_001034853.2(RPGR):c.2569_2570insG (p.Lys857fs)

Gene: RPGR (retinitis pigmentosa GTPase regulator; minus strand). Cytogenetic location: Xp11.4.
Variant type: Insertion.
Coding change: c.2569_2570insG on transcript NM_001034853.2 (MANE Select); coding-DNA positions 2569 to 2570, G inserted.
Protein change: p.Lys857fs; shifts the reading frame from lysine 857.
Molecular consequence: frameshift variant. On other transcripts: intron variant (8).
Genome position: GRCh38 VCF-style: chrX-38286429-T-TC. GRCh37 (hg19) VCF-style: chrX-38145682-T-TC.
Other names: c.1569+4529_1569+4530insG (NM_001367249.1, NM_001367250.1); c.1902+664_1902+665insG (NM_001367245.1); c.1386+4529_1386+4530insG (NM_001367251.1); c.1719+664_1719+665insG (NM_001367246.1); c.1572+4529_1572+4530insG (NM_001367247.1); c.1905+664_1905+665insG (NM_000328.3); c.1602+4529_1602+4530insG (NM_001367248.1); short protein forms K857fs.
Identifiers: ClinVar variation 1985617 (VCV001985617.4), dbSNP rs1281257509, ClinGen allele CA640956461.

ClinVar aggregate classification (germline): Pathogenic (1 of 4 stars; one submission).

Conditions:
Primary ciliary dyskinesia. Also called: Ciliary dyskinesia. Identifiers: Orphanet 244, MedGen C0008780, MONDO:0016575, HP:0012265.

Submission:

Labcorp Genetics (formerly Invitae), Labcorp
Classification: Pathogenic for Primary ciliary dyskinesia. Last evaluated: 2022-05-31. Review status: criteria provided, single submitter. Criteria: Invitae Variant Classification Sherloc (09022015). Collection method: clinical testing. Allele origin: germline.
Comment: This sequence change creates a premature translational stop signal (p.Lys857Argfs*222) in the RPGR (ORF15) gene. While this is not anticipated to result in nonsense mediated decay, it is expected to disrupt the last 296 amino acid(s) of the RPGR (ORF15) protein. The frequency data for this variant in the population databases is considered unreliable, as metrics indicate poor data quality at this position in the gnomAD database. This variant has not been reported in the literature in individuals affected with RPGR (ORF15)-related conditions. This variant disrupts a region of the RPGR (ORF15) protein in which other variant(s) (p.Leu1130Lysfs*13) have been determined to be pathogenic (PMID: 22264887; Invitae). This suggests that this is a clinically significant region of the protein, and that variants that disrupt it are likely to be disease-causing. For these reasons, this variant has been classified as Pathogenic.

Literature cited by the submitters: PubMed 22264887.